The following is an entry in ClinVar:

NM_022124.6(CDH23):c.9771A>C (p.Gly3257=)

Gene: CDH23 (cadherin related 23; plus strand). Cytogenetic location: 10q22.1.
Variant type: single nucleotide variant.
Coding change: c.9771A>C on transcript NM_022124.6 (MANE Select); coding-DNA position 9771, A replaced by C.
Protein change: p.Gly3257=; no amino-acid change (glycine 3257 retained).
Molecular consequence: synonymous variant.
Genome position (GRCh38, 1-based): chr10:71,814,984, A>C. VCF-style: chr10-71814984-A-C. GRCh37 (hg19) VCF-style: chr10-73574741-A-C.
Other names: c.3051A>C, p.Gly1017= (NM_001171933.1); c.2946A>C, p.Gly982= (NM_001171934.1); c.462A>C, p.Gly154= (NM_001171935.1); c.357A>C, p.Gly119= (NM_001171936.1); c.9771A>C (NM_022124.5).
Identifiers: ClinVar variation 990965 (VCV000990965.13), dbSNP rs373249121, ClinGen allele CA5547177.

ClinVar aggregate classification (germline): Likely benign. Review status: criteria provided, multiple submitters, no conflicts (2 of 4 stars). 5 submissions from 5 submitters: Likely benign (3). 2 of the submissions do not count toward it. Last evaluated 2025-12-15.

Conditions:
CDH23-related disorder. Also called: CDH23-related condition; CDH23-related disorders.
Usher syndrome type 1 (USH1). Also called: RETINITIS PIGMENTOSA AND CONGENITAL DEAFNESS. Identifiers: Orphanet 231169, Orphanet 886, MedGen C1568247, MONDO:0010168, OMIM 276900.

Allele frequency attached by ClinVar (database versions not stated): gnomAD exomes 0.00005; TOPMed 0.00005; ESP Exome Variant Server 0.00008; gnomAD 0.00010; ExAC 0.00015.
gnomAD v4.1: 84 of 1,612,376 alleles (0.0052%); highest among the groups gnomAD compares: Non-Finnish European, 0.005%; no homozygotes.

Submissions (5):

Labcorp Genetics (formerly Invitae), Labcorp
Classification: Likely benign. Last evaluated: 2025-12-15. Review status: criteria provided, single submitter. Criteria: Invitae Variant Classification Sherloc (09022015). Collection method: clinical testing. Allele origin: germline.

Blueprint Genetics
Classification: Likely benign. Last evaluated: 2024-08-14. Review status: criteria provided, single submitter. Criteria: ACMG Guidelines, 2015. Collection method: clinical testing. Allele origin: germline.

Breakthrough Genomics
Classification: Likely benign. Review status: criteria provided, single submitter. Criteria: ACMG Guidelines, 2015. Collection method: not provided. Allele origin: germline. Inheritance: Autosomal recessive inheritance. Affected: yes.

Natera, Inc.
Classification: Uncertain significance for Usher syndrome type 1. Last evaluated: 2020-04-17. Review status: no assertion criteria provided. Collection method: clinical testing. Allele origin: germline. Not counted in ClinVar's aggregate classification.

PreventionGenetics, part of Exact Sciences
Classification: Likely benign for CDH23-related condition. Last evaluated: 2019-07-23. Review status: no assertion criteria provided. Collection method: clinical testing. Allele origin: germline. Not counted in ClinVar's aggregate classification.
Comment: This variant is classified as likely benign based on ACMG/AMP sequence variant interpretation guidelines (Richards et al. 2015 PMID: 25741868, with internal and published modifications).